The following is an entry in ClinVar:

ClinVar aggregate classification (germline): Uncertain significance (1 of 4 stars; one submission).

Conditions:
Fanconi anemia (FA). Also called: Fanconi's anemia. Identifiers: Orphanet 84, MedGen C0015625, MeSH D005199, MONDO:0019391.

Allele frequency attached by ClinVar (database versions not stated): gnomAD exomes 0.00001 and 0.00003; TOPMed 0.00001; gnomAD 0.00002 and 0.00003; ExAC 0.00003.
gnomAD v4.1: 20 of 1,578,992 alleles (0.0013%); highest among the groups gnomAD compares: East Asian, 0.0022%; no homozygotes.

Submission:

Labcorp Genetics (formerly Invitae), Labcorp
Classification: Uncertain significance for Fanconi anemia. Last evaluated: 2025-02-03. Review status: criteria provided, single submitter. Criteria: Invitae Variant Classification Sherloc (09022015). Collection method: clinical testing. Allele origin: germline.
Comment: This sequence change replaces isoleucine, which is neutral and non-polar, with threonine, which is neutral and polar, at codon 1438 of the SLX4 protein (p.Ile1438Thr). This variant is present in population databases (rs779769996, gnomAD 0.005%). This variant has not been reported in the literature in individuals affected with SLX4-related conditions. ClinVar contains an entry for this variant (Variation ID: 1398689). An algorithm developed to predict the effect of missense changes on protein structure and function (PolyPhen-2) suggests that this variant is likely to be disruptive. In summary, the available evidence is currently insufficient to determine the role of this variant in disease. Therefore, it has been classified as a Variant of Uncertain Significance.

NM_032444.4(SLX4):c.4313T>C (p.Ile1438Thr)

Gene: SLX4 (SLX4 structure-specific endonuclease subunit; minus strand). Cytogenetic location: 16p13.3.
Variant type: single nucleotide variant.
Coding change: c.4313T>C on transcript NM_032444.4 (MANE Select); coding-DNA position 4313, T replaced by C.
Protein change: p.Ile1438Thr; replaces isoleucine 1438 with threonine.
Molecular consequence: missense variant.
Genome position (GRCh38, 1-based): chr16:3,589,325, A>G on the plus strand (T>C on the coding strand, the complement: SLX4 is on the minus strand). VCF-style: chr16-3589325-A-G. GRCh37 (hg19) VCF-style: chr16-3639326-A-G.
Other names: short protein forms I1438T.
Identifiers: ClinVar variation 1398689 (VCV001398689.6), dbSNP rs779769996, ClinGen allele CA7865688.
Genomic context (GRCh38, chr16:3,589,325, plus strand): 5'-ATCCTGCGGCTGGGGCTGCTGGTGCTCAGGGGGCCGGTCCGCTCCAGGTTCCAGTGGTCA[A>G]TGGGAATTGGCGAGAGGGGCTCCATGTGCCAGCAGCAGTCGTCAATTGGAATTGGGGGGT-3'
Protein context (NP_115820.2, residues 1428-1448): WHMEPLSPIP[Ile1438Thr]DHWNLERTGP